The following is an entry in ClinVar:

NM_017636.4(TRPM4):c.430C>G (p.Arg144Gly)

Gene: TRPM4 (transient receptor potential cation channel subfamily M member 4; plus strand). Cytogenetic location: 19q13.33.
Variant type: single nucleotide variant.
Coding change: c.430C>G on transcript NM_017636.4 (MANE Select); coding-DNA position 430, C replaced by G.
Protein change: p.Arg144Gly; replaces arginine 144 with glycine.
Molecular consequence: missense variant. On other transcripts: intron variant (4).
Genome position (GRCh38, 1-based): chr19:49,168,079, C>G. VCF-style: chr19-49168079-C-G. GRCh37 (hg19) VCF-style: chr19-49671336-C-G.
Other names: c.430C>G, p.Arg144Gly (NM_001195227.2); c.-1105-181C>G (NM_001321282.2); c.268-474C>G (NM_001321281.2); c.-74-181C>G (NM_001321283.2); c.-237-474C>G (NM_001321285.2); short protein forms R144G.
Identifiers: ClinVar variation 5031152 (VCV005031152.1).

ClinVar aggregate classification (germline): Uncertain significance (1 of 4 stars; one submission).

Conditions:
Cardiovascular phenotype. Identifiers: MedGen CN230736.

Submission:

Ambry Genetics
Classification: Uncertain significance for Cardiovascular phenotype. Last evaluated: 2026-07-11. Review status: criteria provided, single submitter. Criteria: Ambry Variant Classification Scheme 2023. Collection method: clinical testing. Allele origin: germline.
Comment: The p.R144G variant (also known as c.430C>G), located in coding exon 4 of the TRPM4 gene, results from a C to G substitution at nucleotide position 430. The arginine at codon 144 is replaced by glycine, an amino acid with dissimilar properties. This amino acid position is conserved. In addition, this alteration is predicted to be tolerated by in silico analysis. Based on the available evidence, the clinical significance of this variant remains unclear.